The following is an entry in ClinVar:

ClinVar aggregate classification (germline): Uncertain significance (1 of 4 stars; one submission).

gnomAD v4.1: 3 of 1,611,486 alleles (0.00019%); highest among the groups gnomAD compares: Admixed American, 0.0034%; no homozygotes.

Submission:

Labcorp Genetics (formerly Invitae), Labcorp
Classification: Uncertain significance. Last evaluated: 2025-11-20. Review status: criteria provided, single submitter. Criteria: Invitae Variant Classification Sherloc (09022015). Collection method: clinical testing. Allele origin: germline.
Comment: This sequence change replaces serine, which is neutral and polar, with glycine, which is neutral and non-polar, at codon 540 of the KANK2 protein (p.Ser540Gly). This variant is present in population databases (no rsID available, gnomAD 0.006%). This variant has not been reported in the literature in individuals affected with KANK2-related conditions. An algorithm developed to predict the effect of missense changes on protein structure and function outputs the following: PolyPhen-2: "Benign". The glycine amino acid residue is found in multiple mammalian species, which suggests that this missense change does not adversely affect protein function. In summary, the available evidence is currently insufficient to determine the role of this variant in disease. Therefore, it has been classified as a Variant of Uncertain Significance.

NM_001136191.3(KANK2):c.1618A>G (p.Ser540Gly)

Gene: KANK2 (KN motif and ankyrin repeat domains 2; minus strand). Cytogenetic location: 19p13.2.
Variant type: single nucleotide variant.
Coding change: c.1618A>G on transcript NM_001136191.3 (MANE Select); coding-DNA position 1618, A replaced by G.
Protein change: p.Ser540Gly; replaces serine 540 with glycine.
Molecular consequence: missense variant.
Genome position (GRCh38, 1-based): chr19:11,176,720, T>C on the plus strand (A>G on the coding strand, the complement: KANK2 is on the minus strand). VCF-style: chr19-11176720-T-C. GRCh37 (hg19) VCF-style: chr19-11287396-T-C.
Other names: c.1618A>G, p.Ser540Gly (NM_001329451.2, NM_001379555.1, NM_001379556.1 and 7 more transcripts); c.1642A>G, p.Ser548Gly (NM_001379548.1, NM_001379549.1, NM_001379550.1 and 5 more transcripts); short protein forms S540G, S548G.
Identifiers: ClinVar variation 4803659 (VCV004803659.1).